The following is an entry in ClinVar:

ClinVar aggregate classification (germline): Uncertain significance (1 of 4 stars; one submission).

Conditions:
Adenylosuccinate lyase deficiency (ADSLD). Also called: ADSL DEFICIENCY. Identifiers: Orphanet 46, MedGen C0268126, MONDO:0007068, OMIM 103050.

Allele frequency attached by ClinVar (database versions not stated): TOPMed below 0.00001; gnomAD 0.00001.

Submission:

Labcorp Genetics (formerly Invitae), Labcorp
Classification: Uncertain significance for Adenylosuccinate lyase deficiency. Last evaluated: 2021-06-01. Review status: criteria provided, single submitter. Criteria: Invitae Variant Classification Sherloc (09022015). Collection method: clinical testing. Allele origin: germline.
Comment: In summary, the available evidence is currently insufficient to determine the role of this variant in disease. Therefore, it has been classified as a Variant of Uncertain Significance. Experimental studies and prediction algorithms are not available or were not evaluated, and the functional significance of this variant is currently unknown. This variant has not been reported in the literature in individuals with ADSL-related conditions. The frequency data for this variant in the population databases is considered unreliable, as metrics indicate insufficient coverage at this position in the ExAC database. This variant occurs in a non-coding region of the ADSL gene. It does not change the encoded amino acid sequence of the ADSL protein.

NC_000022.11:g.40346188G>C

Gene: ADSL (adenylosuccinate lyase; plus strand). Cytogenetic location: 22q13.1.
Variant type: single nucleotide variant.
Genome position: GRCh38 VCF-style: chr22-40346188-G-C. GRCh37 (hg19) VCF-style: chr22-40742192-G-C.
Identifiers: ClinVar variation 1358041 (VCV001358041.6), dbSNP rs1399154446, ClinGen allele CA639408294.